The following is an entry in ClinVar:

NM_182914.3(SYNE2):c.13675G>A (p.Glu4559Lys)

Gene: SYNE2 (spectrin repeat containing nuclear envelope protein 2; plus strand). Cytogenetic location: 14q23.2.
Variant type: single nucleotide variant.
Coding change: c.13675G>A on transcript NM_182914.3 (MANE Select); coding-DNA position 13675, G replaced by A.
Protein change: p.Glu4559Lys; replaces glutamic acid 4559 with lysine.
Molecular consequence: missense variant.
Genome position (GRCh38, 1-based): chr14:64,126,447, G>A. VCF-style: chr14-64126447-G-A. GRCh37 (hg19) VCF-style: chr14-64593165-G-A.
Other names: c.13675G>A, p.Glu4559Lys (NM_015180.6); short protein forms E4559K.
Identifiers: ClinVar variation 2191565 (VCV002191565.4), dbSNP rs1273496669, ClinGen allele CA389970688.

ClinVar aggregate classification (germline): Uncertain significance (1 of 4 stars; one submission).

Conditions:
Emery-Dreifuss muscular dystrophy 5, autosomal dominant (EDMD5). Also called: EMERY-DREIFUSS MUSCULAR DYSTROPHY 5. Identifiers: Orphanet 261, MedGen C2751805, MONDO:0013072, OMIM 612999.

Allele frequency attached by ClinVar (database versions not stated): gnomAD exomes below 0.00001; TOPMed below 0.00001; gnomAD 0.00001.
gnomAD v4.1: 2 of 1,614,004 alleles (0.00012%); highest among the groups gnomAD compares: Admixed American, 0.0017%; no homozygotes.

Submission:

Labcorp Genetics (formerly Invitae), Labcorp
Classification: Uncertain significance for Emery-Dreifuss muscular dystrophy 5, autosomal dominant. Last evaluated: 2022-12-07. Review status: criteria provided, single submitter. Criteria: Invitae Variant Classification Sherloc (09022015). Collection method: clinical testing. Allele origin: germline.
Comment: Algorithms developed to predict the effect of missense changes on protein structure and function are either unavailable or do not agree on the potential impact of this missense change (SIFT: "Deleterious"; PolyPhen-2: "Benign"; Align-GVGD: "Class C0"). In summary, the available evidence is currently insufficient to determine the role of this variant in disease. Therefore, it has been classified as a Variant of Uncertain Significance. This variant has not been reported in the literature in individuals affected with SYNE2-related conditions. This variant is present in population databases (no rsID available, gnomAD 0.007%). This sequence change replaces glutamic acid, which is acidic and polar, with lysine, which is basic and polar, at codon 4559 of the SYNE2 protein (p.Glu4559Lys).